The following is an entry in ClinVar:

NM_001368067.1(LDB3):c.346G>A (p.Ala116Thr)

Genes: LDB3 (LIM domain binding 3; plus strand), LOC110121486 (VISTA enhancer hs2143; plus strand). Cytogenetic location: 10q23.2.
Variant type: single nucleotide variant.
Coding change: c.346G>A on transcript NM_001368067.1 (MANE Plus Clinical); coding-DNA position 346, G replaced by A.
Protein change: p.Ala116Thr; replaces alanine 116 with threonine.
Molecular consequence: missense variant. On other transcripts: intron variant (5).
Genome position (GRCh38, 1-based): chr10:86,687,070, G>A. VCF-style: chr10-86687070-G-A. GRCh37 (hg19) VCF-style: chr10-88446827-G-A.
Other names: p.A231T:GCC>ACC; c.346G>A, p.Ala116Thr (NM_001080114.2, NM_001080116.1, NM_001368066.1 and 1 more transcripts); c.691G>A, p.Ala231Thr (NM_001171610.2, NM_001171611.2); c.690-4826G>A (NM_001368064.1, NM_001368063.1, NM_007078.3 and 2 more transcripts); short protein forms A116T, A231T.
Identifiers: ClinVar variation 191696 (VCV000191696.13), dbSNP rs200458194, ClinGen allele CA302363.
Genomic context (GRCh38, chr10:86,687,070, plus strand): 5'-CCACCTGTTGCCCTTTTCTCCTCCCTCTCCCTGCCCGTACTCCCGCACCCCTCCCCCAGC[G>A]CCGACTACCAGGAACGCTTCAACCCCAGTGCCCTGAAGGACTCGGCCCTGTCCACCCACA-3'
Protein context (NP_001354996.1, residues 106-126): QKVVVNSPAN[Ala116Thr]DYQERFNPSA

ClinVar aggregate classification (germline): Conflicting classifications of pathogenicity. Review status: criteria provided, conflicting classifications (1 of 4 stars). 4 submissions from 4 submitters: Uncertain significance (3); Likely benign (1). Last evaluated 2025-11-04.

Conditions:
Myofibrillar myopathy 4. Also called: Zaspopathy (type). Identifiers: Orphanet 98912, MedGen C4721886, MONDO:0012277, OMIM 609452.

Allele frequency attached by ClinVar (database versions not stated): TOPMed 0.00001; gnomAD 0.00005 and 0.00006; ExAC 0.00009; gnomAD exomes 0.00009; 1000 Genomes Project 30x 0.00031; 1000 Genomes Project 0.00040.
gnomAD v4.1: 109 of 1,613,760 alleles (0.0068%); highest among the groups gnomAD compares: South Asian, 0.035%; no homozygotes.

Submissions (4):

Labcorp Genetics (formerly Invitae), Labcorp
Classification: Uncertain significance for Myofibrillar myopathy 4. Last evaluated: 2025-11-04. Review status: criteria provided, single submitter. Criteria: Invitae Variant Classification Sherloc (09022015). Collection method: clinical testing. Allele origin: germline.
Comment: This sequence change replaces alanine, which is neutral and non-polar, with threonine, which is neutral and polar, at codon 116 of the LDB3 protein (p.Ala116Thr). This variant is present in population databases (rs200458194, gnomAD 0.06%). This missense change has been observed in individual(s) with LDB3-related conditions (PMID: 21520333). ClinVar contains an entry for this variant (Variation ID: 191696). An algorithm developed to predict the effect of missense changes on protein structure and function (PolyPhen-2) suggests that this variant is likely to be tolerated. In summary, the available evidence is currently insufficient to determine the role of this variant in disease. Therefore, it has been classified as a Variant of Uncertain Significance.

Revvity Omics, Revvity
Classification: Uncertain significance. Last evaluated: 2023-03-31. Review status: criteria provided, single submitter. Criteria: ACMG Guidelines, 2015. Collection method: clinical testing. Allele origin: germline.

GeneDx
Classification: Likely benign. Last evaluated: 2021-06-14. Review status: criteria provided, single submitter. Criteria: GeneDx Variant Classification Process June 2021. Collection method: clinical testing. Allele origin: germline. Affected: yes.

Biesecker Lab/Clinical Genomics Section, National Institutes of Health
Classification: Uncertain significance. Last evaluated: 2013-06-24. Review status: criteria provided, single submitter. Criteria: Ng et al. (Circ Cardiovasc Genet. 2013). Collection method: research. Allele origin: unknown. Observed: 1 variant allele. Study: ClinSeq.
Comment: The study set was not selected for affection status in relation to any cancer. Pathogenicity categories were based on literature curation. See Pubmed ID:23861362 for details.

Medical sequencing

Literature cited by the submitters: PubMed 21520333 (cited by Labcorp Genetics (formerly Invitae), Labcorp).